The following is an entry in ClinVar:

NM_001130987.2(DYSF):c.3433_3434dup (p.Met1146fs)

Gene: DYSF (dysferlin; plus strand). Cytogenetic location: 2p13.2.
Variant type: Duplication.
Coding change: c.3433_3434dup on transcript NM_001130987.2 (MANE Select); coding-DNA positions 3433 to 3434, 2 bases duplicated (TC; older notation c.3433_3434dupTC).
Protein change: p.Met1146fs; shifts the reading frame from methionine 1146.
Molecular consequence: frameshift variant.
Genome position (GRCh38, 1-based): chr2:71,589,623-71,589,624, TC duplicated. VCF-style (leftmost placement, unchanged base first): chr2-71589622-T-TTC. GRCh37 (hg19) VCF-style: chr2-71816752-T-TTC.
Other names: c.3379_3380dup, p.Met1128fs (NM_001130978.2, NM_003494.4); c.3472_3473dup, p.Met1159fs (NM_001130979.2); c.3430_3431dup, p.Met1145fs (NM_001130980.2, NM_001130981.2); c.3475_3476dup, p.Met1160fs (NM_001130982.2); c.3382_3383dup, p.Met1129fs (NM_001130983.2, NM_001130455.2); c.3340_3341dup, p.Met1115fs (NM_001130984.2, NM_001130986.2); c.3433_3434dup, p.Met1146fs (NM_001130985.2); c.3337_3338dup, p.Met1114fs (NM_001130976.2, NM_001130977.2); and 1 more; short protein forms M1114fs, M1115fs, M1128fs, M1129fs, M1145fs, M1146fs, M1159fs, M1160fs.
Identifiers: ClinVar variation 2500823 (VCV002500823.1), dbSNP rs2545988788, ClinGen allele CA2580067770.
Genomic context (GRCh38, chr2:71,589,622, plus strand): 5'-GAATCTGCCATAACCAGCTTCGTGTCTCCAGGGCGGCGTGATGGATGACAAGAGTGAAGA[T>TTC]TCCATGTCCGTCTCCACCTTGAGCTTCGGTGTGAACAGACCCACGATTTCCTGCATATTC-3'

ClinVar aggregate classification (germline): Likely pathogenic (1 of 4 stars; one submission).

Conditions:
Autosomal recessive limb-girdle muscular dystrophy type 2B (LGMDR2). Also called: MUSCULAR DYSTROPHY, LIMB-GIRDLE, TYPE 3; Limb-Girdle Muscular Dystrophy Type 2B (LGMD2B); MUSCULAR DYSTROPHY, LIMB-GIRDLE, AUTOSOMAL RECESSIVE 2; Limb-girdle muscular dystrophy, type 2B. Identifiers: Orphanet 268, MedGen C1850889, MONDO:0009676, OMIM 253601.

Submission:

Lifecell International Pvt. Ltd
Classification: Likely pathogenic for Autosomal recessive limb-girdle muscular dystrophy type 2B. Review status: criteria provided, single submitter. Criteria: ACMG Guidelines, 2015. Collection method: clinical testing. Allele origin: germline. Inheritance: Autosomal recessive inheritance. Affected: yes. Observed: 1 compound heterozygote.
Comment: A Heterozygous Frameshift variant c.3378_3379insTC in Exon 31 of the DYSF gene that results in the amino acid substitution p.Met1128fs*7 was identified. The observed variant is novel in gnomAD exomes and genomes. The severity of the impact of this variant on the protein is high, based on the effect of the protein and REVEL score . Rare Exome Variant Ensemble Learner (REVEL) is an ensembl method for predicting the pathogenicity of missense variants based on a combination of scores from 13 individual tools: MutPred, FATHMM v2.3, VEST 3.0, PolyPhen-2, SIFT, PROVEAN, MutationAssessor, MutationTaster, LRT, GERP++, SiPhy, phyloP, and phastCons. The REVEL score for an individual missense variant can range from 0 to 1, with higher scores reflecting greater likelihood that the variant is disease-causing. For these reasons this variant has been classified as Likely Pathogenic.